The following is an entry in ClinVar:

ClinVar aggregate classification (germline): Benign/Likely benign. Review status: criteria provided, multiple submitters, no conflicts (2 of 4 stars). 11 submissions from 11 submitters: Benign (7); Likely benign (3). 1 of the submissions does not count toward it. Last evaluated 2026-08-01.

Conditions:
Autoinflammatory syndrome. Identifiers: Orphanet 93665, MedGen C3890737, MONDO:0019751.
Majeed syndrome (MJDS). Also called: LPIN2-Related Majeed Syndrome; CHRONIC RECURRENT MULTIFOCAL OSTEOMYELITIS 1, WITH CONGENITAL DYSERYTHROPOIETIC ANEMIA, WITH OR WITHOUT NEUTROPHILIC DERMATOSIS. Identifiers: Orphanet 77297, MedGen C1864997, MONDO:0012316, OMIM 609628.
Psoriasis. Identifiers: MedGen C0033860, MONDO:0005083.

Allele frequency attached by ClinVar (database versions not stated): ESP Exome Variant Server 0.00062; gnomAD 0.00083 and 0.00174; TOPMed 0.00096; gnomAD exomes 0.00232 and 0.00383; ExAC 0.00433; 1000 Genomes Project 0.00679; 1000 Genomes Project 30x 0.00687.
gnomAD v4.1: 3,672 of 1,614,028 alleles (0.23%); highest among the groups gnomAD compares: South Asian, 2.6%; 68 homozygotes.

Submissions (11):

CeGaT Center for Human Genetics Tuebingen
Classification: Benign. Last evaluated: 2026-08-01. Review status: criteria provided, single submitter. Criteria: CeGaT Center For Human Genetics Tuebingen Variant Classification Criteria Version 2. Collection method: clinical testing. Allele origin: germline. Affected: yes. Observed: 7 variant alleles.
Comment: LPIN2: BP4, BS1, BS2

Labcorp Genetics (formerly Invitae), Labcorp
Classification: Benign for Majeed syndrome. Last evaluated: 2026-02-01. Review status: criteria provided, single submitter. Criteria: Invitae Variant Classification Sherloc (09022015). Collection method: clinical testing. Allele origin: germline.

Women's Health and Genetics/Laboratory Corporation of America, LabCorp
Classification: Likely benign. Last evaluated: 2026-01-23. Review status: criteria provided, single submitter. Criteria: LabCorp Variant Classification Summary - May 2015. Collection method: clinical testing. Allele origin: germline.

ARUP Laboratories, Molecular Genetics and Genomics, ARUP Laboratories
Classification: Benign for Majeed syndrome. Last evaluated: 2025-03-27. Review status: criteria provided, single submitter. Criteria: ARUP Molecular Germline Variant Investigation Process 2024. Collection method: clinical testing. Allele origin: germline.

Genome Diagnostics Laboratory, The Hospital for Sick Children
Classification: Benign for Autoinflammatory syndrome. Last evaluated: 2021-04-24. Review status: criteria provided, single submitter. Criteria: ACMG Guidelines, 2015. Collection method: clinical testing. Allele origin: germline. Affected: yes.

Mayo Clinic Laboratories, Mayo Clinic
Classification: Benign. Last evaluated: 2020-01-08. Review status: criteria provided, single submitter. Criteria: ACMG Guidelines, 2015. Collection method: clinical testing. Allele origin: germline. Observed: 5 variant alleles.

Illumina Laboratory Services, Illumina
Classification: Likely benign for Majeed syndrome. Last evaluated: 2017-04-27. Review status: criteria provided, single submitter. Criteria: ICSL Variant Classification Criteria 13 December 2019. Collection method: clinical testing. Allele origin: germline.
Comment: This variant was observed as part of a predisposition screen in an ostensibly healthy population. A literature search was performed for the gene, cDNA change, and amino acid change (where applicable). No publications were found based on this search. Allele frequency data from public databases allowed determination this variant is unlikely to cause disease. Therefore, this variant is classified as likely benign.

GeneDx
Classification: Benign. Last evaluated: 2016-09-13. Review status: criteria provided, single submitter. Criteria: GeneDx Variant Classification (06012015). Collection method: clinical testing. Allele origin: germline. Affected: yes.
Comment: This variant is considered likely benign or benign based on one or more of the following criteria: it is a conservative change, it occurs at a poorly conserved position in the protein, it is predicted to be benign by multiple in silico algorithms, and/or has population frequency not consistent with disease.

Breakthrough Genomics
Classification: Likely benign. Review status: criteria provided, single submitter. Criteria: ACMG Guidelines, 2015. Collection method: not provided. Allele origin: germline. Inheritance: Unknown mechanism. Affected: yes.

Broad Center for Mendelian Genomics, Broad Institute of MIT and Harvard
Classification: Benign for Psoriasis. Review status: criteria provided, single submitter. Criteria: ACMG Guidelines, 2015. Collection method: research. Allele origin: germline. Inheritance: Autosomal recessive inheritance. Affected: yes.
Comment: In summary, this variant meets criteria to be classified as benign for autosomal recessive psoriasis.

Unité médicale des maladies autoinflammatoires, CHRU Montpellier
No classification provided. Condition: Majeed syndrome. Review status: no classification provided. Collection method: not provided. Allele origin: unknown. Not counted in ClinVar's aggregate classification.

NM_001375808.2(LPIN2):c.1159A>G (p.Lys387Glu)

Gene: LPIN2 (lipin 2; minus strand). Cytogenetic location: 18p11.31.
Variant type: single nucleotide variant.
Coding change: c.1159A>G on transcript NM_001375808.2 (MANE Select); coding-DNA position 1159, A replaced by G.
Protein change: p.Lys387Glu; replaces lysine 387 with glutamic acid.
Molecular consequence: missense variant.
Genome position (GRCh38, 1-based): chr18:2,937,701, T>C on the plus strand (A>G on the coding strand, the complement: LPIN2 is on the minus strand). VCF-style: chr18-2937701-T-C. GRCh37 (hg19) VCF-style: chr18-2937699-T-C.
Other names: c.1159A>G, p.Lys387Glu (NM_001375809.1, NM_014646.2); short protein forms K387E.
Identifiers: ClinVar variation 97813 (VCV000097813.55), dbSNP rs104895501, ClinGen allele CA267510.